The following is an entry in ClinVar:

NM_004187.5(KDM5C):c.2049C>T (p.Ala683=)

Gene: KDM5C (lysine demethylase 5C; minus strand). Cytogenetic location: Xp11.22.
Variant type: single nucleotide variant.
Coding change: c.2049C>T on transcript NM_004187.5 (MANE Select); coding-DNA position 2049, C replaced by T.
Protein change: p.Ala683=; no amino-acid change (alanine 683 retained).
Molecular consequence: synonymous variant. On other transcripts: non-coding transcript variant (3).
Genome position (GRCh38, 1-based): chrX:53,201,562, G>A on the plus strand (C>T on the coding strand, the complement: KDM5C is on the minus strand). VCF-style: chrX-53201562-G-A. GRCh37 (hg19) VCF-style: chrX-53230744-G-A.
Other names: c.1848C>T, p.Ala616= (NM_001146702.2); c.2046C>T, p.Ala682= (NM_001282622.3, NM_001353979.2, NM_001353982.2); c.2049C>T, p.Ala683= (NM_001353978.3, NM_001353981.2, NM_001353984.2).
Identifiers: ClinVar variation 2660594 (VCV002660594.25), dbSNP rs1169859502, ClinGen allele CA516426561.

ClinVar aggregate classification (germline): Likely benign. Review status: criteria provided, multiple submitters, no conflicts (2 of 4 stars). 2 submissions from 2 submitters: Likely benign (2). Last evaluated 2023-02-01.

Allele frequency attached by ClinVar (database versions not stated): gnomAD 0.00001.
gnomAD v4.1: 4 of 1,209,444 alleles (0.00033%); highest among the groups gnomAD compares: Middle Eastern, 0.023%; no homozygotes.

Submissions (2):

CeGaT Center for Human Genetics Tuebingen
Classification: Likely benign. Last evaluated: 2023-02-01. Review status: criteria provided, single submitter. Criteria: CeGaT Center For Human Genetics Tuebingen Variant Classification Criteria Version 2. Collection method: clinical testing. Allele origin: germline. Affected: yes. Observed: 2 variant alleles.
Comment: KDM5C: BP4, BP7

Blueprint Genetics
Classification: Likely benign. Last evaluated: 2022-11-09. Review status: criteria provided, single submitter. Criteria: ACMG Guidelines, 2015. Collection method: clinical testing. Allele origin: germline.